The following is an entry in ClinVar:

ClinVar aggregate classification (germline): Uncertain significance. Review status: criteria provided, multiple submitters, no conflicts (2 of 4 stars). 2 submissions from 2 submitters: Uncertain significance (2). Last evaluated 2024-05-01.

Conditions:
Cerebroretinal microangiopathy with calcifications and cysts 1 (CRMCC1). Identifiers: Orphanet 313838, MedGen C4552029, MONDO:0024564, OMIM 612199.
Dyskeratosis congenita. Identifiers: Orphanet 1775, MedGen C0265965, MONDO:0015780.

gnomAD v4.1: 1 of 1,614,146 alleles (0.000062%); no homozygotes.

Submissions (2):

Fulgent Genetics
Classification: Uncertain significance for Cerebroretinal microangiopathy with calcifications and cysts 1. Last evaluated: 2024-05-01. Review status: criteria provided, single submitter. Criteria: ACMG Guidelines, 2015. Collection method: clinical testing. Allele origin: germline.

Labcorp Genetics (formerly Invitae), Labcorp
Classification: Uncertain significance for Dyskeratosis congenita. Last evaluated: 2020-08-15. Review status: criteria provided, single submitter. Criteria: Invitae Variant Classification Sherloc (09022015). Collection method: clinical testing. Allele origin: germline.
Comment: This sequence change replaces histidine with glutamine at codon 178 of the CTC1 protein (p.His178Gln). The histidine residue is highly conserved and there is a small physicochemical difference between histidine and glutamine. This variant is not present in population databases (ExAC no frequency). This variant has not been reported in the literature in individuals with CTC1-related conditions. Algorithms developed to predict the effect of missense changes on protein structure and function are either unavailable or do not agree on the potential impact of this missense change (SIFT: "Deleterious"; PolyPhen-2: "Probably Damaging"; Align-GVGD: "Class C0"). In summary, the available evidence is currently insufficient to determine the role of this variant in disease. Therefore, it has been classified as a Variant of Uncertain Significance.

NM_025099.6(CTC1):c.534C>G (p.His178Gln)

Gene: CTC1 (CST telomere replication complex component 1; minus strand). Cytogenetic location: 17p13.1.
Variant type: single nucleotide variant.
Coding change: c.534C>G on transcript NM_025099.6 (MANE Select); coding-DNA position 534, C replaced by G.
Protein change: p.His178Gln; replaces histidine 178 with glutamine.
Molecular consequence: missense variant. On other transcripts: non-coding transcript variant (1).
Genome position (GRCh38, 1-based): chr17:8,238,144, G>C on the plus strand (C>G on the coding strand, the complement: CTC1 is on the minus strand). VCF-style: chr17-8238144-G-C. GRCh37 (hg19) VCF-style: chr17-8141462-G-C.
Other names: short protein forms H178Q.
Identifiers: ClinVar variation 1007677 (VCV001007677.9), dbSNP rs1251648065, ClinGen allele CA397992726.